The following is an entry in ClinVar:

ClinVar aggregate classification (germline): Likely benign. Review status: criteria provided, multiple submitters, no conflicts (2 of 4 stars). 2 submissions from 2 submitters: Likely benign (2). Last evaluated 2026-04-01.

Allele frequency attached by ClinVar (database versions not stated): gnomAD exomes 0.00003 and 0.00013; gnomAD 0.00004 and 0.00005; TOPMed 0.00005; ExAC 0.00007; 1000 Genomes Project 30x 0.00016; 1000 Genomes Project 0.00020.
gnomAD v4.1: 50 of 1,613,916 alleles (0.0031%); highest among the groups gnomAD compares: East Asian, 0.11%; no homozygotes.

Submissions (2):

CeGaT Center for Human Genetics Tuebingen
Classification: Likely benign. Last evaluated: 2026-04-01. Review status: criteria provided, single submitter. Criteria: CeGaT Center For Human Genetics Tuebingen Variant Classification Criteria Version 2. Collection method: clinical testing. Allele origin: germline. Affected: yes. Observed: 1 variant allele.
Comment: ORC1: BP4, BP7

Labcorp Genetics (formerly Invitae), Labcorp
Classification: Likely benign. Last evaluated: 2025-01-06. Review status: criteria provided, single submitter. Criteria: Invitae Variant Classification Sherloc (09022015). Collection method: clinical testing. Allele origin: germline.

NM_004153.4(ORC1):c.1440T>C (p.Ala480=)

Gene: ORC1 (origin recognition complex subunit 1; minus strand). Cytogenetic location: 1p32.3.
Variant type: single nucleotide variant.
Coding change: c.1440T>C on transcript NM_004153.4 (MANE Select); coding-DNA position 1440, T replaced by C.
Protein change: p.Ala480=; no amino-acid change (alanine 480 retained).
Molecular consequence: synonymous variant.
Genome position (GRCh38, 1-based): chr1:52,385,893, A>G on the plus strand (T>C on the coding strand, the complement: ORC1 is on the minus strand). VCF-style: chr1-52385893-A-G. GRCh37 (hg19) VCF-style: chr1-52851565-A-G.
Other names: c.1440T>C, p.Ala480= (NM_001190818.2); c.1425T>C, p.Ala475= (NM_001190819.2).
Identifiers: ClinVar variation 1672941 (VCV001672941.10), dbSNP rs543395954, ClinGen allele CA853328.